The following is an entry in ClinVar:

ClinVar aggregate classification (germline): Uncertain significance (1 of 4 stars; one submission).

Conditions:
Hereditary cancer-predisposing syndrome. Also called: Hereditary neoplastic syndrome; Tumor predisposition; Hereditary Cancer Syndrome; Neoplastic Syndromes, Hereditary. Identifiers: Orphanet 140162, MedGen C0027672, MeSH D009386, MONDO:0015356.

Submission:

Ambry Genetics
Classification: Uncertain significance for Hereditary cancer-predisposing syndrome. Last evaluated: 2023-09-06. Review status: criteria provided, single submitter. Criteria: Ambry Variant Classification Scheme 2023. Collection method: clinical testing. Allele origin: germline.
Comment: The p.F147L variant (also known as c.439T>C), located in coding exon 2 of the CHEK2 gene, results from a T to C substitution at nucleotide position 439. The phenylalanine at codon 147 is replaced by leucine, an amino acid with highly similar properties. This amino acid position is conserved. In addition, this alteration is predicted to be deleterious by in silico analysis. Since supporting evidence is limited at this time, the clinical significance of this alteration remains unclear.

NM_007194.4(CHEK2):c.439T>C (p.Phe147Leu)

Gene: CHEK2 (checkpoint kinase 2; minus strand). Cytogenetic location: 22q12.1.
Variant type: single nucleotide variant.
Coding change: c.439T>C on transcript NM_007194.4 (MANE Select); coding-DNA position 439, T replaced by C.
Protein change: p.Phe147Leu; replaces phenylalanine 147 with leucine.
Molecular consequence: missense variant.
Genome position (GRCh38, 1-based): chr22:28,725,248, A>G on the plus strand (T>C on the coding strand, the complement: CHEK2 is on the minus strand). VCF-style: chr22-28725248-A-G. GRCh37 (hg19) VCF-style: chr22-29121236-A-G.
Other names: c.568T>C, p.Phe190Leu (NM_001005735.3); c.-339T>C (NM_001257387.3); c.439T>C, p.Phe147Leu (NM_001349956.3, NM_145862.3); short protein forms F190L, F147L.
Identifiers: ClinVar variation 2586662 (VCV002586662.2), dbSNP rs2146066512, ClinGen allele CA411107876.